The following is an entry in ClinVar:

NM_170606.3(KMT2C):c.4188A>G (p.Lys1396=)

Gene: KMT2C (lysine methyltransferase 2C; minus strand). Cytogenetic location: 7q36.1.
Variant type: single nucleotide variant.
Coding change: c.4188A>G on transcript NM_170606.3 (MANE Select); coding-DNA position 4188, A replaced by G.
Protein change: p.Lys1396=; no amino-acid change (lysine 1396 retained).
Molecular consequence: synonymous variant.
Genome position (GRCh38, 1-based): chr7:152,199,364, T>C on the plus strand (A>G on the coding strand, the complement: KMT2C is on the minus strand). VCF-style: chr7-152199364-T-C. GRCh37 (hg19) VCF-style: chr7-151896449-T-C.
Other names: c.4188A>G (NM_170606.2).
Identifiers: ClinVar variation 2917228 (VCV002917228.4), dbSNP rs201433194, ClinGen allele CA4580621.

ClinVar aggregate classification (germline): Likely benign. Review status: criteria provided, single submitter (1 of 4 stars). 2 submissions from 2 submitters: Likely benign (1). 1 of the submissions does not count toward it. Last evaluated 2025-07-17.

Conditions:
KMT2C-related disorder. Also called: KMT2C-related disorders; KMT2C-related condition.

Allele frequency attached by ClinVar (database versions not stated): ESP Exome Variant Server 0.00008; gnomAD exomes 0.00004; TOPMed 0.00005; 1000 Genomes Project 0.00040; ExAC 0.00004; gnomAD 0.00008; 1000 Genomes Project 30x 0.00047.
gnomAD v4.1: 83 of 1,606,838 alleles (0.0052%); highest among the groups gnomAD compares: Middle Eastern, 0.033%; no homozygotes.

Submissions (2):

Labcorp Genetics (formerly Invitae), Labcorp
Classification: Likely benign. Last evaluated: 2025-07-17. Review status: criteria provided, single submitter. Criteria: Invitae Variant Classification Sherloc (09022015). Collection method: clinical testing. Allele origin: germline.

PreventionGenetics, part of Exact Sciences
Classification: Likely benign for KMT2C-related condition. Last evaluated: 2024-04-19. Review status: no assertion criteria provided. Collection method: clinical testing. Allele origin: germline. Not counted in ClinVar's aggregate classification.
Comment: This variant is classified as likely benign based on ACMG/AMP sequence variant interpretation guidelines (Richards et al. 2015 PMID: 25741868, with internal and published modifications).